The following is an entry in ClinVar:

ClinVar aggregate classification (germline): Likely benign (1 of 4 stars; one submission).

Submissions (2):

GeneDx
Classification: Likely benign. Last evaluated: 2016-04-18. Review status: criteria provided, single submitter. Criteria: GeneDx Variant Classification (06012015). Collection method: clinical testing. Allele origin: germline. Affected: yes.
Comment: This variant is considered likely benign or benign based on one or more of the following criteria: it is a conservative change, it occurs at a poorly conserved position in the protein, it is predicted to be benign by multiple in silico algorithms, and/or has population frequency not consistent with disease.

Brotman Baty Institute, University of Washington
No classification provided (evidence only). Condition: Breast-ovarian cancer, familial 1. Review status: no classification provided. Collection method: in vitro. Allele origin: not applicable. Functional consequence: functionally_normal. Not counted in ClinVar's aggregate classification.
ClinVar note: "not provided" was previously submitted as the classification for the variant. However, the classification appeared to be based only on an observation of functional data so it was converted to no classification on 2025-07-30.

NM_007294.4(BRCA1):c.5358G>C (p.Leu1786=)

Gene: BRCA1 (BRCA1 DNA repair associated; minus strand). Cytogenetic location: 17q21.31.
Variant type: single nucleotide variant.
Coding change: c.5358G>C on transcript NM_007294.4 (MANE Select); coding-DNA position 5358, G replaced by C.
Protein change: p.Leu1786=; no amino-acid change (leucine 1786 retained).
Molecular consequence: synonymous variant. On other transcripts: intron variant (19).
Genome position (GRCh38, 1-based): chr17:43,049,169, C>G on the plus strand (G>C on the coding strand, the complement: BRCA1 is on the minus strand). VCF-style: chr17-43049169-C-G. GRCh37 (hg19) VCF-style: chr17-41201186-C-G.
Other names: c.5145G>C, p.Leu1715= (NM_001407571.1, NM_001407894.1, NM_001407895.1 and 12 more transcripts); c.5424G>C, p.Leu1808= (NM_001407581.1, NM_001407582.1); c.5421G>C, p.Leu1807= (NM_001407583.1, NM_001407585.1, NM_001407587.1 and 1 more transcripts); c.5418G>C, p.Leu1806= (NM_001407590.1, NM_001407591.1); c.5358G>C, p.Leu1786= (NM_001407593.1, NM_001407594.1, NM_001407596.1 and 5 more transcripts); c.5355G>C, p.Leu1785= (NM_001407610.1, NM_001407611.1, NM_001407612.1 and 14 more transcripts); c.5352G>C, p.Leu1784= (NM_001407627.1, NM_001407628.1, NM_001407629.1 and 13 more transcripts); c.5349G>C, p.Leu1783= (NM_001407644.1, NM_001407645.1); and 84 more.
Identifiers: ClinVar variation 385604 (VCV000385604.4), dbSNP rs1057522271, ClinGen allele CA16608432.